The following is an entry in ClinVar:

ClinVar aggregate classification (germline): Pathogenic. Review status: criteria provided, multiple submitters, no conflicts (2 of 4 stars). 2 submissions from 2 submitters: Pathogenic (2). Last evaluated 2025-09-18.

Conditions:
Maple syrup urine disease (MSUD). Identifiers: Orphanet 511, MedGen C0024776, MeSH D008375, MONDO:0009563. Disease mechanism: loss of function.

Submissions (2):

Labcorp Genetics (formerly Invitae), Labcorp
Classification: Pathogenic for Maple syrup urine disease. Last evaluated: 2025-09-18. Review status: criteria provided, single submitter. Criteria: Invitae Variant Classification Sherloc (09022015). Collection method: clinical testing. Allele origin: germline.
Comment: This sequence change creates a premature translational stop signal (p.Ala248Cysfs*10) in the BCKDHA gene. It is expected to result in an absent or disrupted protein product. Loss-of-function variants in BCKDHA are known to be pathogenic (PMID: 16786533, 22593002). This variant is not present in population databases (gnomAD no frequency). This premature translational stop signal has been observed in individual(s) with maple syrup urine disease (PMID: 31980395). ClinVar contains an entry for this variant (Variation ID: 93370). For these reasons, this variant has been classified as Pathogenic.

Eurofins Ntd Llc (ga)
Classification: Pathogenic. Last evaluated: 2013-08-23. Review status: criteria provided, single submitter. Criteria: EGL Classification Definitions. Collection method: clinical testing. Allele origin: germline. Observed: 1 variant allele, 1 homozygote.

Literature cited by the submitters: PubMed 16786533 (cited by Labcorp Genetics (formerly Invitae), Labcorp); PubMed 22593002 (cited by Labcorp Genetics (formerly Invitae), Labcorp); PubMed 31980395 (cited by Labcorp Genetics (formerly Invitae), Labcorp).

NM_000709.4(BCKDHA):c.741dup (p.Ala248fs)

Gene: BCKDHA (branched chain keto acid dehydrogenase E1 subunit alpha; plus strand). Cytogenetic location: 19q13.2.
Variant type: Duplication.
Coding change: c.741dup on transcript NM_000709.4 (MANE Select); coding-DNA position 741, one base duplicated (T; older notation c.741dupT).
Protein change: p.Ala248fs; shifts the reading frame from alanine 248.
Molecular consequence: frameshift variant.
Genome position (GRCh38, 1-based): chr19:41,422,258, T duplicated. VCF-style (leftmost placement, unchanged base first): chr19-41422257-A-AT. GRCh37 (hg19) VCF-style: chr19-41928162-A-AT.
Other names: c.741dup, p.Ala248fs (NM_001164783.2); short protein forms A248fs.
Identifiers: ClinVar variation 93370 (VCV000093370.11), dbSNP rs398123504, ClinGen allele CA221212.
Genomic context (GRCh38, chr19:41,422,257, plus strand): 5'-ATGCCAACAGGGTCGTCATCTGTTACTTCGGCGAGGGGGCAGCCAGTGAGGGGGACGCCC[A>AT]TGCCGGCTTCAACTTCGCTGCCACACTTGAGTGCCCCATCATCTTCTTCTGCCGGAACAA-3'